The following is an entry in ClinVar:

NM_032119.4(ADGRV1):c.5053A>G (p.Ile1685Val)

Gene: ADGRV1 (adhesion G protein-coupled receptor V1; plus strand). Cytogenetic location: 5q14.3.
Variant type: single nucleotide variant.
Coding change: c.5053A>G on transcript NM_032119.4 (MANE Select); coding-DNA position 5053, A replaced by G.
Protein change: p.Ile1685Val; replaces isoleucine 1685 with valine.
Molecular consequence: missense variant. On other transcripts: non-coding transcript variant (1).
Genome position (GRCh38, 1-based): chr5:90,674,177, A>G. VCF-style: chr5-90674177-A-G. GRCh37 (hg19) VCF-style: chr5-89969994-A-G.
Other names: short protein forms I1685V.
Identifiers: ClinVar variation 1503152 (VCV001503152.5), dbSNP rs745985500, ClinGen allele CA3339470.

ClinVar aggregate classification (germline): Uncertain significance (1 of 4 stars; one submission).

Allele frequency attached by ClinVar (database versions not stated): gnomAD exomes below 0.00001; ExAC 0.00001.
gnomAD v4.1: 2 of 1,613,118 alleles (0.00012%); highest among the groups gnomAD compares: South Asian, 0.0011%; no homozygotes.

Submission:

Labcorp Genetics (formerly Invitae), Labcorp
Classification: Uncertain significance. Last evaluated: 2022-08-10. Review status: criteria provided, single submitter. Criteria: Invitae Variant Classification Sherloc (09022015). Collection method: clinical testing. Allele origin: germline.
Comment: This sequence change replaces isoleucine, which is neutral and non-polar, with valine, which is neutral and non-polar, at codon 1685 of the ADGRV1 protein (p.Ile1685Val). This variant is present in population databases (rs745985500, gnomAD 0.0009%). This variant has not been reported in the literature in individuals affected with ADGRV1-related conditions. ClinVar contains an entry for this variant (Variation ID: 1503152). Algorithms developed to predict the effect of missense changes on protein structure and function output the following: SIFT: "Deleterious"; PolyPhen-2: "Possibly Damaging"; Align-GVGD: "Class C0". The valine amino acid residue is found in multiple mammalian species, which suggests that this missense change does not adversely affect protein function. In summary, the available evidence is currently insufficient to determine the role of this variant in disease. Therefore, it has been classified as a Variant of Uncertain Significance.